The following is an entry in ClinVar:

NM_001376256.1(CRYM):c.168G>T (p.Arg56Ser)

Genes: CRYM (crystallin mu; minus strand), LOC130058620 (ATAC-STARR-seq lymphoblastoid active region 10553; plus strand). Cytogenetic location: 16p12.2.
Variant type: single nucleotide variant.
Coding change: c.168G>T on transcript NM_001376256.1 (MANE Select); coding-DNA position 168, G replaced by T.
Protein change: p.Arg56Ser; replaces arginine 56 with serine.
Molecular consequence: missense variant.
Genome position (GRCh38, 1-based): chr16:21,278,084, C>A on the plus strand (G>T on the coding strand, the complement: CRYM is on the minus strand). VCF-style: chr16-21278084-C-A. GRCh37 (hg19) VCF-style: chr16-21289405-C-A.
Other names: c.168G>T, p.Arg56Ser (NM_001888.5); short protein forms R56S.
Identifiers: ClinVar variation 1350141 (VCV001350141.8), dbSNP rs143848148, ClinGen allele CA279354499.
Genomic context (GRCh38, chr16:21,278,084, plus strand): 5'-TCCTCCTTTCCCCGCTTTCCAGTTTCTCCTGCCCCTGACCCCGACCCTCCTCACTCACCC[C>A]CTGTGCTTGGTCACCGGCACCACGGTGCGCACGGGCTGCATGACCCCTCCTTCGGGACCG-3'
Protein context (NP_001363185.1, residues 46-66): VRTVVPVTKH[Arg56Ser]GYLGVMPAYS

ClinVar aggregate classification (germline): Uncertain significance (1 of 4 stars; one submission).

gnomAD v4.1: 23 of 1,545,012 alleles (0.0015%); highest among the groups gnomAD compares: Non-Finnish European, 0.0019%; no homozygotes.

Submission:

Labcorp Genetics (formerly Invitae), Labcorp
Classification: Uncertain significance. Last evaluated: 2024-06-17. Review status: criteria provided, single submitter. Criteria: Invitae Variant Classification Sherloc (09022015). Collection method: clinical testing. Allele origin: germline.
Comment: This sequence change replaces arginine, which is basic and polar, with serine, which is neutral and polar, at codon 56 of the CRYM protein (p.Arg56Ser). This variant is present in population databases (no rsID available, gnomAD 0.006%). This variant has not been reported in the literature in individuals affected with CRYM-related conditions. ClinVar contains an entry for this variant (Variation ID: 1350141). Algorithms developed to predict the effect of missense changes on protein structure and function output the following: SIFT: "Not Available"; PolyPhen-2: "Benign"; Align-GVGD: "Not Available". The serine amino acid residue is found in multiple mammalian species, which suggests that this missense change does not adversely affect protein function. In summary, the available evidence is currently insufficient to determine the role of this variant in disease. Therefore, it has been classified as a Variant of Uncertain Significance.